The following is an entry in ClinVar:

NM_021098.3(CACNA1H):c.5113G>A (p.Ala1705Thr)

Gene: CACNA1H (calcium voltage-gated channel subunit alpha1 H; plus strand). Cytogenetic location: 16p13.3.
Variant type: single nucleotide variant.
Coding change: c.5113G>A on transcript NM_021098.3 (MANE Select); coding-DNA position 5113, G replaced by A.
Protein change: p.Ala1705Thr; replaces alanine 1705 with threonine.
Molecular consequence: missense variant.
Genome position (GRCh38, 1-based): chr16:1,215,315, G>A. VCF-style: chr16-1215315-G-A. GRCh37 (hg19) VCF-style: chr16-1265315-G-A.
Other names: p.Ala1705Thr; c.5095G>A, p.Ala1699Thr (NM_001005407.2); short protein forms A1705T, A1699T.
Identifiers: ClinVar variation 377230 (VCV000377230.46), dbSNP rs148651456, ClinGen allele CA7801795.

ClinVar aggregate classification (germline): Benign/Likely benign. Review status: criteria provided, multiple submitters, no conflicts (2 of 4 stars). 10 submissions from 10 submitters: Benign (1); Likely benign (7). 2 of the submissions do not count toward it. Last evaluated 2026-02-01.

Conditions:
Idiopathic generalized epilepsy. Also called: Generalised epilepsy; EIG. Identifiers: MedGen C0270850, MONDO:0005579, OMIM 600669.
Hyperaldosteronism, familial, type IV (HALD4). Also called: FH IV; ALDOSTERONISM, PRIMARY, AND HYPERTENSION. Identifiers: Orphanet 642671, MedGen C4310756, MONDO:0014875, OMIM 617027.

Allele frequency attached by ClinVar (database versions not stated): 1000 Genomes Project 0.00280; 1000 Genomes Project 30x 0.00312; gnomAD exomes 0.00556 and 0.00732; gnomAD 0.00573 and 0.00596; TOPMed 0.00630; ExAC 0.00666; ESP Exome Variant Server 0.00667.
gnomAD v4.1: 11,533 of 1,611,068 alleles (0.72%); highest among the groups gnomAD compares: Non-Finnish European, 0.84%; 42 homozygotes.

Submissions (10):

CeGaT Center for Human Genetics Tuebingen
Classification: Likely benign. Last evaluated: 2026-02-01. Review status: criteria provided, single submitter. Criteria: CeGaT Center For Human Genetics Tuebingen Variant Classification Criteria Version 2. Collection method: clinical testing. Allele origin: germline. Affected: yes. Observed: 8 variant alleles.
Comment: CACNA1H: BS2

Labcorp Genetics (formerly Invitae), Labcorp
Classification: Benign for Idiopathic generalized epilepsy; Hyperaldosteronism, familial, type IV. Last evaluated: 2026-01-28. Review status: criteria provided, single submitter. Criteria: Invitae Variant Classification Sherloc (09022015). Collection method: clinical testing. Allele origin: germline.

Genomic Medicine Center of Excellence, King Faisal Specialist Hospital and Research Centre
Classification: Likely benign. Last evaluated: 2025-08-18. Review status: criteria provided, single submitter. Criteria: ACMG Guidelines, 2015. Collection method: clinical testing. Allele origin: germline.

Mayo Clinic Laboratories, Mayo Clinic
Classification: Likely benign. Last evaluated: 2024-12-11. Review status: criteria provided, single submitter. Criteria: ACMG Guidelines, 2015. Collection method: clinical testing. Allele origin: germline. Observed: 3 variant alleles.
Comment: BS1, BS2

Women's Health and Genetics/Laboratory Corporation of America, LabCorp
Classification: Likely benign. Last evaluated: 2023-01-31. Review status: criteria provided, single submitter. Criteria: LabCorp Variant Classification Summary - May 2015. Collection method: clinical testing. Allele origin: germline.

Athena Diagnostics
Classification: Likely benign. Last evaluated: 2019-11-22. Review status: criteria provided, single submitter. Criteria: Athena Diagnostics Criteria. Collection method: clinical testing. Allele origin: unknown.

Center for Pediatric Genomic Medicine, Children's Mercy Hospital and Clinics
Classification: Likely benign. Last evaluated: 2016-09-15. Review status: criteria provided, single submitter. Criteria: ACMG Guidelines, 2015. Collection method: clinical testing. Allele origin: germline.
ClinVar note: Converted during submission from Likely Benign to Likely benign.

Breakthrough Genomics
Classification: Likely benign. Review status: criteria provided, single submitter. Criteria: ACMG Guidelines, 2015. Collection method: not provided. Allele origin: germline. Inheritance: Autosomal dominant inheritance. Affected: yes.

Genome Diagnostics Laboratory, University Medical Center Utrecht
Classification: Likely benign. Review status: no assertion criteria provided. Collection method: clinical testing. Allele origin: germline. Affected: yes. Study: VKGL Data-share Consensus. Not counted in ClinVar's aggregate classification.

Laboratory of Diagnostic Genome Analysis, Leiden University Medical Center (LUMC)
Classification: Likely benign. Review status: no assertion criteria provided. Collection method: clinical testing. Allele origin: germline. Affected: yes. Study: VKGL Data-share Consensus. Not counted in ClinVar's aggregate classification.

Literature cited by the submitters: PubMed 17696120 (cited by Mayo Clinic Laboratories, Mayo Clinic and Athena Diagnostics); PubMed 25773295 (cited by Mayo Clinic Laboratories, Mayo Clinic and Athena Diagnostics); PubMed 27331657 (cited by Mayo Clinic Laboratories, Mayo Clinic and Athena Diagnostics).